The following is an entry in ClinVar:

ClinVar aggregate classification (germline): Uncertain significance (1 of 4 stars; one submission).

Submission:

Labcorp Genetics (formerly Invitae), Labcorp
Classification: Uncertain significance. Last evaluated: 2022-06-26. Review status: criteria provided, single submitter. Criteria: Invitae Variant Classification Sherloc (09022015). Collection method: clinical testing. Allele origin: germline.
Comment: In summary, the available evidence is currently insufficient to determine the role of this variant in disease. Therefore, it has been classified as a Variant of Uncertain Significance. Experimental studies and prediction algorithms are not available or were not evaluated, and the functional significance of this variant is currently unknown. This variant has not been reported in the literature in individuals affected with MPDZ-related conditions. This variant results in a copy number gain of the genomic region encompassing exon(s) 11-46 of the MPDZ gene. This region includes the termination codon of the gene. This copy number gain extends beyond the assayed region for this gene and therefore may encompass additional genes. As the precise location of this event is unknown, it may be in tandem or it may be located elsewhere in the genome.

NC_000009.11:g.(?_12693997)_(13206118_?)dup

Genes: LURAP1L (leucine rich adaptor protein 1 like; plus strand), MPDZ (multiple PDZ domain crumbs cell polarity complex component; minus strand), TYRP1 (tyrosinase related protein 1; plus strand). Cytogenetic location: 9p23.
Variant type: Duplication.
Identifiers: ClinVar variation 2424772 (VCV002424772.4).